The following is an entry in ClinVar:

NM_001283009.2(RTEL1):c.3557G>C (p.Arg1186Thr)

Genes: RTEL1 (regulator of telomere elongation helicase 1; plus strand), RTEL1-TNFRSF6B (RTEL1-TNFRSF6B readthrough (NMD candidate); plus strand). Cytogenetic location: 20q13.33.
Variant type: single nucleotide variant.
Coding change: c.3557G>C on transcript NM_001283009.2 (MANE Select); coding-DNA position 3557, G replaced by C.
Protein change: p.Arg1186Thr; replaces arginine 1186 with threonine.
Molecular consequence: missense variant. On other transcripts: non-coding transcript variant (1).
Genome position (GRCh38, 1-based): chr20:63,695,385, G>C. VCF-style: chr20-63695385-G-C. GRCh37 (hg19) VCF-style: chr20-62326738-G-C.
Other names: c.2888G>C, p.Arg963Thr (NM_001283010.1); c.3557G>C, p.Arg1186Thr (NM_016434.4); c.3629G>C, p.Arg1210Thr (NM_032957.5); short protein forms R1186T, R1210T, R963T.
Identifiers: ClinVar variation 3791201 (VCV003791201.1).

ClinVar aggregate classification (germline): Uncertain significance (1 of 4 stars; one submission).

Conditions:
Inborn genetic diseases. Identifiers: MedGen C0950123, MeSH D030342.

Submission:

Ambry Genetics
Classification: Uncertain significance for Inborn genetic diseases. Last evaluated: 2025-03-05. Review status: criteria provided, single submitter. Criteria: Ambry Variant Classification Scheme 2023. Collection method: clinical testing. Allele origin: germline.
Comment: The p.R1186T variant (also known as c.3557G>C), located in coding exon 33 of the RTEL1 gene, results from a G to C substitution at nucleotide position 3557. The arginine at codon 1186 is replaced by threonine, an amino acid with similar properties. This amino acid position is conserved. In addition, this alteration is predicted to be tolerated by in silico analysis. Based on the available evidence, the clinical significance of this variant remains unclear.